The following is an entry in ClinVar:

ClinVar aggregate classification (germline): Likely benign. Review status: criteria provided, multiple submitters, no conflicts (2 of 4 stars). 3 submissions from 3 submitters: Likely benign (2). 1 of the submissions does not count toward it. Last evaluated 2025-05-01.

Conditions:
DNAH17-related disorder. Also called: DNAH17-related condition.

Allele frequency attached by ClinVar (database versions not stated): gnomAD 0.00065; TOPMed 0.00065; ESP Exome Variant Server 0.00070; ExAC 0.00073.
gnomAD v4.1: 825 of 1,605,354 alleles (0.051%); highest among the groups gnomAD compares: Middle Eastern, 0.38%; 4 homozygotes.

Submissions (3):

CeGaT Center for Human Genetics Tuebingen
Classification: Likely benign. Last evaluated: 2025-05-01. Review status: criteria provided, single submitter. Criteria: CeGaT Center For Human Genetics Tuebingen Variant Classification Criteria Version 2. Collection method: clinical testing. Allele origin: germline. Affected: yes. Observed: 1 variant allele.
Comment: DNAH17: BP4, BP7

Blueprint Genetics
Classification: Likely benign. Last evaluated: 2024-11-01. Review status: criteria provided, single submitter. Criteria: ACMG Guidelines, 2015. Collection method: clinical testing. Allele origin: germline.

PreventionGenetics, part of Exact Sciences
Classification: Benign for DNAH17-related condition. Last evaluated: 2024-06-19. Review status: no assertion criteria provided. Collection method: clinical testing. Allele origin: germline. Not counted in ClinVar's aggregate classification.
Comment: This variant is classified as benign based on ACMG/AMP sequence variant interpretation guidelines (Richards et al. 2015 PMID: 25741868, with internal and published modifications).

NM_173628.4(DNAH17):c.6051C>T (p.Tyr2017=)

Genes: DNAH17 (dynein axonemal heavy chain 17; minus strand), DNAH17-AS1 (DNAH17 antisense RNA 1; plus strand). Cytogenetic location: 17q25.3.
Variant type: single nucleotide variant.
Coding change: c.6051C>T on transcript NM_173628.4 (MANE Select); coding-DNA position 6051, C replaced by T.
Protein change: p.Tyr2017=; no amino-acid change (tyrosine 2017 retained).
Molecular consequence: synonymous variant.
Genome position (GRCh38, 1-based): chr17:78,494,812, G>A on the plus strand (C>T on the coding strand, the complement: DNAH17 is on the minus strand). VCF-style: chr17-78494812-G-A. GRCh37 (hg19) VCF-style: chr17-76490894-G-A.
Identifiers: ClinVar variation 3045958 (VCV003045958.13), dbSNP rs372912923, ClinGen allele CA8802920.
Genomic context (GRCh38, chr17:78,494,812, plus strand): 5'-GCCCCTCTTCAGGGAGCCGGCCACCACCAGCACAGACTTGATGGCTCTCAGGCCCCAGTC[G>A]TAATGATCCTGCGGGCAGTGGGCACAGGTGGGCAGACGTGAGCTCACCTTCCTGTGGCCA-3'
Protein context (NP_775899.3, residues 2007-2027): CKELLSKQDH[Tyr2017=]DWGLRAIKSV